The following is an entry in ClinVar:

NM_032737.4(LMNB2):c.1141A>C (p.Lys381Gln)

Gene: LMNB2 (lamin B2; minus strand). Cytogenetic location: 19p13.3.
Variant type: single nucleotide variant.
Coding change: c.1141A>C on transcript NM_032737.4 (MANE Select); coding-DNA position 1141, A replaced by C.
Protein change: p.Lys381Gln; replaces lysine 381 with glutamine.
Molecular consequence: missense variant.
Genome position (GRCh38, 1-based): chr19:2,434,356, T>G on the plus strand (A>C on the coding strand, the complement: LMNB2 is on the minus strand). VCF-style: chr19-2434356-T-G. GRCh37 (hg19) VCF-style: chr19-2434354-T-G.
Other names: short protein forms K381Q.
Identifiers: ClinVar variation 2953380 (VCV002953380.3), dbSNP rs2512235412, ClinGen allele CA403253956.

ClinVar aggregate classification (germline): Uncertain significance (1 of 4 stars; one submission).

Conditions:
Lipodystrophy, partial, acquired, susceptibility to (APLD). Also called: APLD, SUSCEPTIBILITY TO. Identifiers: MedGen C3887501, MONDO:0100476, OMIM 608709.
Progressive myoclonic epilepsy type 9. Identifiers: Orphanet 457265, MedGen C4225289, MONDO:0014685, OMIM 616540.

Allele frequency attached by ClinVar (database versions not stated): gnomAD exomes below 0.00001.
gnomAD v4.1: 1 of 1,613,238 alleles (0.000062%); highest among the groups gnomAD compares: Non-Finnish European, 0.000085%; no homozygotes.

Submission:

Labcorp Genetics (formerly Invitae), Labcorp
Classification: Uncertain significance for Progressive myoclonic epilepsy type 9; Lipodystrophy, partial, acquired, susceptibility to. Last evaluated: 2024-01-15. Review status: criteria provided, single submitter. Criteria: Invitae Variant Classification Sherloc (09022015). Collection method: clinical testing. Allele origin: germline.
Comment: This sequence change replaces lysine, which is basic and polar, with glutamine, which is neutral and polar, at codon 381 of the LMNB2 protein (p.Lys381Gln). This variant is not present in population databases (gnomAD no frequency). This variant has not been reported in the literature in individuals affected with LMNB2-related conditions. Advanced modeling of protein sequence and biophysical properties (such as structural, functional, and spatial information, amino acid conservation, physicochemical variation, residue mobility, and thermodynamic stability) performed at Invitae indicates that this missense variant is expected to disrupt LMNB2 protein function with a positive predictive value of 80%. In summary, the available evidence is currently insufficient to determine the role of this variant in disease. Therefore, it has been classified as a Variant of Uncertain Significance.